The following is an entry in ClinVar:

ClinVar aggregate classification (germline): Uncertain significance (1 of 4 stars; one submission).

Submission:

Labcorp Genetics (formerly Invitae), Labcorp
Classification: Uncertain significance. Last evaluated: 2023-12-26. Review status: criteria provided, single submitter. Criteria: Invitae Variant Classification Sherloc (09022015). Collection method: clinical testing. Allele origin: germline.
Comment: This sequence change replaces cysteine, which is neutral and slightly polar, with arginine, which is basic and polar, at codon 146 of the LMX1B protein (p.Cys146Arg). This variant is not present in population databases (gnomAD no frequency). This variant has not been reported in the literature in individuals affected with LMX1B-related conditions. Advanced modeling of protein sequence and biophysical properties (such as structural, functional, and spatial information, amino acid conservation, physicochemical variation, residue mobility, and thermodynamic stability) performed at Invitae indicates that this missense variant is expected to disrupt LMX1B protein function with a positive predictive value of 80%. This variant disrupts the p.Cys146 amino acid residue in LMX1B. Other variant(s) that disrupt this residue have been determined to be pathogenic (PMID: 10571942, 18535845; Invitae). This suggests that this residue is clinically significant, and that variants that disrupt this residue are likely to be disease-causing. In summary, the available evidence is currently insufficient to determine the role of this variant in disease. Therefore, it has been classified as a Variant of Uncertain Significance.

Literature cited by the submitters: PubMed 10571942; PubMed 18535845.

NM_001174147.2(LMX1B):c.436T>C (p.Cys146Arg)

Gene: LMX1B (LIM homeobox transcription factor 1 beta; plus strand). Cytogenetic location: 9q33.3.
Variant type: single nucleotide variant.
Coding change: c.436T>C on transcript NM_001174147.2 (MANE Select); coding-DNA position 436, T replaced by C.
Protein change: p.Cys146Arg; replaces cysteine 146 with arginine.
Molecular consequence: missense variant.
Genome position (GRCh38, 1-based): chr9:126,690,945, T>C. VCF-style: chr9-126690945-T-C. GRCh37 (hg19) VCF-style: chr9-129453224-T-C.
Other names: c.436T>C, p.Cys146Arg (NM_001174146.2, NM_002316.4); short protein forms C146R.
Identifiers: ClinVar variation 2705569 (VCV002705569.3), dbSNP rs2490682645, ClinGen allele CA374912451.